The following is an entry in ClinVar:

NM_145239.3(PRRT2):c.1013-29C>T

Genes: MVP-DT (MVP divergent transcript; minus strand), PRRT2 (proline rich transmembrane protein 2; plus strand). Cytogenetic location: 16p11.2.
Variant type: single nucleotide variant.
Coding change: c.1013-29C>T on transcript NM_145239.3 (MANE Select); 29 bases into the intron before coding-DNA position 1013, C replaced by T.
Molecular consequence: intron variant. On other transcripts: synonymous variant (1), 3 prime UTR variant (1).
Genome position (GRCh38, 1-based): chr16:29,814,599, C>T. VCF-style: chr16-29814599-C-T. GRCh37 (hg19) VCF-style: chr16-29825920-C-T.
Other names: p.P382P:CCC>CCT; c.1146C>T, p.Pro382= (NM_001256442.2); c.*645C>T (NM_001256443.2).
Identifiers: ClinVar variation 206681 (VCV000206681.44), dbSNP rs745834081, ClinGen allele CA317015.

ClinVar aggregate classification (germline): Conflicting classifications of pathogenicity. Review status: criteria provided, conflicting classifications (1 of 4 stars). 4 submissions from 4 submitters: Uncertain significance (1); Benign (1); Likely benign (1). 1 of the submissions does not count toward it. Last evaluated 2024-10-15.

Conditions:
PRRT2-Related Disorder. Also called: PRRT2-related disorders. Identifiers: MedGen CN381059.

Allele frequency attached by ClinVar (database versions not stated): ExAC 0.00007; gnomAD 0.00010 and 0.00012; TOPMed 0.00014.
gnomAD v4.1: 351 of 1,609,908 alleles (0.022%); highest among the groups gnomAD compares: Non-Finnish European, 0.027%; no homozygotes.

Submissions (4):

Blueprint Genetics
Classification: Likely benign. Last evaluated: 2024-10-15. Review status: criteria provided, single submitter. Criteria: ACMG Guidelines, 2015. Collection method: clinical testing. Allele origin: germline.

CeGaT Center for Human Genetics Tuebingen
Classification: Uncertain significance. Last evaluated: 2018-04-01. Review status: criteria provided, single submitter. Criteria: CeGaT Center For Human Genetics Tuebingen Variant Classification Criteria Version 2. Collection method: clinical testing. Allele origin: germline. Affected: yes. Observed: 1 variant allele.

GeneDx
Classification: Benign. Last evaluated: 2014-06-19. Review status: criteria provided, single submitter. Criteria: GeneDx Variant Classification (06012015). Collection method: clinical testing. Allele origin: germline. Affected: yes.
Comment: This variant is considered likely benign or benign based on one or more of the following criteria: it is a conservative change, it occurs at a poorly conserved position in the protein, it is predicted to be benign by multiple in silico algorithms, and/or has population frequency not consistent with disease.

PreventionGenetics, part of Exact Sciences
Classification: Likely benign for PRRT2-related condition. Last evaluated: 2024-06-08. Review status: no assertion criteria provided. Collection method: clinical testing. Allele origin: germline. Not counted in ClinVar's aggregate classification.
Comment: This variant is classified as likely benign based on ACMG/AMP sequence variant interpretation guidelines (Richards et al. 2015 PMID: 25741868, with internal and published modifications).